The following is an entry in ClinVar:

NM_002645.4(PIK3C2A):c.2193_2196del (p.Tyr732fs)

Gene: PIK3C2A (phosphatidylinositol-4-phosphate 3-kinase catalytic subunit type 2 alpha; minus strand). Cytogenetic location: 11p15.1.
Variant type: Deletion.
Coding change: c.2193_2196del on transcript NM_002645.4 (MANE Select); coding-DNA positions 2193 to 2196, 4 bases deleted (TTAC; older notation c.2193_2196delTTAC).
Protein change: p.Tyr732fs; shifts the reading frame from tyrosine 732.
Molecular consequence: frameshift variant.
Genome position (GRCh38, 1-based): chr11:17,131,951-17,131,954, GTAA deleted on the plus strand (TTAC on the coding strand, the reverse complement: PIK3C2A is on the minus strand); deleting any 4 consecutive bases within chr11:17,131,951-17,131,956 gives the same sequence; the c. name uses the placement nearest the transcript's 3' end. VCF-style (leftmost placement, unchanged base first): chr11-17131950-TGTAA-T. GRCh37 (hg19) VCF-style: chr11-17153497-TGTAA-T.
Other names: c.2193_2196del, p.Tyr732fs (NM_001321378.2, NM_001386870.1); c.1053_1056del, p.Tyr352fs (NM_001321380.2); short protein forms Y732fs, Y352fs.
Identifiers: ClinVar variation 4718762 (VCV004718762.1).

ClinVar aggregate classification (germline): Pathogenic (1 of 4 stars; one submission).

Submission:

Labcorp Genetics (formerly Invitae), Labcorp
Classification: Pathogenic. Last evaluated: 2025-09-08. Review status: criteria provided, single submitter. Criteria: Invitae Variant Classification Sherloc (09022015). Collection method: clinical testing. Allele origin: germline.
Comment: This sequence change creates a premature translational stop signal (p.Tyr732Argfs*12) in the PIK3C2A gene. It is expected to result in an absent or disrupted protein product. Loss-of-function variants in PIK3C2A are known to be pathogenic (PMID: 31034465). This variant is not present in population databases (gnomAD no frequency). This variant has not been reported in the literature in individuals affected with PIK3C2A-related conditions. For these reasons, this variant has been classified as Pathogenic.

Literature cited by the submitters: PubMed 31034465.